The following is an entry in ClinVar:

ClinVar aggregate classification (germline): Uncertain significance. Review status: criteria provided, multiple submitters, no conflicts (2 of 4 stars). 2 submissions from 2 submitters: Uncertain significance (2). Last evaluated 2025-08-24.

Conditions:
Emery-Dreifuss muscular dystrophy 5, autosomal dominant (EDMD5). Also called: EMERY-DREIFUSS MUSCULAR DYSTROPHY 5. Identifiers: Orphanet 261, MedGen C2751805, MONDO:0013072, OMIM 612999.

Allele frequency attached by ClinVar (database versions not stated): ExAC 0.00001; gnomAD 0.00001; gnomAD exomes 0.00003.
gnomAD v4.1: 28 of 1,589,128 alleles (0.0018%); highest among the groups gnomAD compares: South Asian, 0.031%; no homozygotes.

Submissions (2):

Labcorp Genetics (formerly Invitae), Labcorp
Classification: Uncertain significance for Emery-Dreifuss muscular dystrophy 5, autosomal dominant. Last evaluated: 2025-08-24. Review status: criteria provided, single submitter. Criteria: Invitae Variant Classification Sherloc (09022015). Collection method: clinical testing. Allele origin: germline.
Comment: This sequence change replaces lysine, which is basic and polar, with threonine, which is neutral and polar, at codon 1581 of the SYNE2 protein (p.Lys1581Thr). This variant is present in population databases (rs746066706, gnomAD 0.02%). This variant has not been reported in the literature in individuals affected with SYNE2-related conditions. ClinVar contains an entry for this variant (Variation ID: 1051507). An algorithm developed to predict the effect of missense changes on protein structure and function (PolyPhen-2) suggests that this variant is likely to be disruptive. In summary, the available evidence is currently insufficient to determine the role of this variant in disease. Therefore, it has been classified as a Variant of Uncertain Significance.

Revvity Omics, Revvity
Classification: Uncertain significance for Emery-Dreifuss muscular dystrophy 5, autosomal dominant. Last evaluated: 2023-09-01. Review status: criteria provided, single submitter. Criteria: ACMG Guidelines, 2015. Collection method: clinical testing. Allele origin: germline.

NM_182914.3(SYNE2):c.4742A>C (p.Lys1581Thr)

Gene: SYNE2 (spectrin repeat containing nuclear envelope protein 2; plus strand). Cytogenetic location: 14q23.2.
Variant type: single nucleotide variant.
Coding change: c.4742A>C on transcript NM_182914.3 (MANE Select); coding-DNA position 4742, A replaced by C.
Protein change: p.Lys1581Thr; replaces lysine 1581 with threonine.
Molecular consequence: missense variant.
Genome position (GRCh38, 1-based): chr14:64,016,486, A>C. VCF-style: chr14-64016486-A-C. GRCh37 (hg19) VCF-style: chr14-64483204-A-C.
Other names: c.4742A>C, p.Lys1581Thr (NM_015180.6); c.4742A>C (NM_182914.2); short protein forms K1581T.
Identifiers: ClinVar variation 1051507 (VCV001051507.10), dbSNP rs746066706, ClinGen allele CA7220305.
Genomic context (GRCh38, chr14:64,016,486, plus strand): 5'-TTGTCTATATCAAAATATCAGAAATAACTTTCATATCTTTTTTACAGATTGAAATTGTCA[A>C]AGAAGAATTTAATGAGCATTTAGAAGTTGTAGACAAGATAAACCAGGTCTGCAAAAATCT-3'
Protein context (NP_878918.2, residues 1571-1591): KKRIAEIEIV[Lys1581Thr]EEFNEHLEVV